The following is an entry in ClinVar:

ClinVar aggregate classification (germline): Conflicting classifications of pathogenicity. Review status: criteria provided, conflicting classifications (1 of 4 stars). 6 submissions from 6 submitters: Uncertain significance (4); Likely benign (1). 1 of the submissions does not count toward it. Last evaluated 2026-05-18.

Conditions:
PKHD1-related disorder. Also called: PKHD1-related condition.
Polycystic kidney disease 4 (PKD4). Also called: POLYCYSTIC KIDNEY AND HEPATIC DISEASE 1; POLYCYSTIC KIDNEY DISEASE, INFANTILE, TYPE I; PKD3; POLYCYSTIC KIDNEY DISEASE 4 WITH OR WITHOUT POLYCYSTIC LIVER DISEASE; Autosomal Recessive Polycystic Kidney Disease – PKHD1. Identifiers: MedGen C4540575, MONDO:0033004, OMIM 263200.
Inborn genetic diseases. Identifiers: MedGen C0950123, MeSH D030342.
Autosomal recessive polycystic kidney disease (ARPKD). Also called: AR polycystic kidney disease. Identifiers: Orphanet 731, Orphanet 8378, MedGen C0085548, MeSH D017044, MONDO:0009889.

Allele frequency attached by ClinVar (database versions not stated): gnomAD exomes 0.00002 and 0.00003; ExAC 0.00004; ESP Exome Variant Server 0.00008; gnomAD 0.00011; TOPMed 0.00011.
gnomAD v4.1: 48 of 1,614,016 alleles (0.003%); highest among the groups gnomAD compares: African/African-American, 0.02%; no homozygotes.

Submissions (6):

PreventionGenetics, part of Exact Sciences
Classification: Uncertain significance for PKHD1-related condition. Last evaluated: 2026-05-18. Review status: criteria provided, single submitter. Criteria: ACMG Guidelines, 2015. Collection method: clinical testing. Allele origin: germline.
Comment: The PKHD1 c.3839G>A variant is predicted to result in the amino acid substitution p.Arg1280His. To our knowledge, this variant has not been reported in the literature. This variant is reported in 0.020% of alleles in individuals of African descent in gnomAD. The p.Arg1280 residue is weakly conserved, and at this position is a histidine (His) in several species. At this time, the clinical significance of this variant is uncertain due to the absence of conclusive functional and genetic evidence.

Ambry Genetics
Classification: Likely benign for Inborn genetic diseases. Last evaluated: 2024-02-21. Review status: criteria provided, single submitter. Criteria: Ambry Variant Classification Scheme 2023. Collection method: clinical testing. Allele origin: germline.

Blueprint Genetics
Classification: Uncertain significance. Last evaluated: 2022-02-16. Review status: criteria provided, single submitter. Criteria: ACMG Guidelines, 2015. Collection method: clinical testing. Allele origin: germline.

Fulgent Genetics
Classification: Uncertain significance for Polycystic kidney disease 4. Last evaluated: 2021-09-03. Review status: criteria provided, single submitter. Criteria: ACMG Guidelines, 2015. Collection method: clinical testing. Allele origin: unknown.

Women's Health and Genetics/Laboratory Corporation of America, LabCorp
Classification: Uncertain significance. Last evaluated: 2016-08-09. Review status: criteria provided, single submitter. Criteria: LabCorp Variant Classification Summary - May 2015. Collection method: clinical testing. Allele origin: germline.
Comment: Variant summary: The PKHD1 c.3839G>A (p.Arg1280His) variant involves the alteration of a non-conserved nucleotide. 3/4 in silico tools predict a benign outcome for this variant. This variant is located in the Immunoglobulin-like fold (InterPro). This variant was found in 5/120618 control chromosomes at a frequency of 0.0000415, which does not exceed the estimated maximal expected allele frequency of a pathogenic PKHD1 variant (0.0070711). The variant of interest has not, to our knowledge, been reported in affected individuals via publications and/or reputable databases/clinical diagnostic laboratories, nor evaluated for functional impact by in vivo/vitro studies. Because of the absence of clinical information and the lack of functional studies, the variant is classified as a variant of uncertain significance (VUS) until additional information becomes available.

Natera, Inc.
Classification: Uncertain significance for Autosomal recessive polycystic kidney disease. Last evaluated: 2018-06-30. Review status: no assertion criteria provided. Collection method: clinical testing. Allele origin: germline. Not counted in ClinVar's aggregate classification.

NM_138694.4(PKHD1):c.3839G>A (p.Arg1280His)

Gene: PKHD1 (PKHD1 ciliary IPT domain containing fibrocystin/polyductin; minus strand). Cytogenetic location: 6p12.2.
Variant type: single nucleotide variant.
Coding change: c.3839G>A on transcript NM_138694.4 (MANE Select); coding-DNA position 3839, G replaced by A.
Protein change: p.Arg1280His; replaces arginine 1280 with histidine.
Molecular consequence: missense variant.
Genome position (GRCh38, 1-based): chr6:52,025,971, C>T on the plus strand (G>A on the coding strand, the complement: PKHD1 is on the minus strand). VCF-style: chr6-52025971-C-T. GRCh37 (hg19) VCF-style: chr6-51890769-C-T.
Other names: c.3839G>A, p.Arg1280His (NM_170724.3); short protein forms R1280H.
Identifiers: ClinVar variation 496520 (VCV000496520.6), dbSNP rs374233100, ClinGen allele CA3852825.